The following is an entry in ClinVar:

ClinVar aggregate classification (germline): Conflicting classifications of pathogenicity. Review status: criteria provided, conflicting classifications (1 of 4 stars). 2 submissions from 2 submitters: Uncertain significance (1); Likely benign (1). Last evaluated 2021-10-14.

Conditions:
Inborn genetic diseases. Identifiers: MedGen C0950123, MeSH D030342.

Allele frequency attached by ClinVar (database versions not stated): ExAC 0.00002; gnomAD exomes 0.00002; TOPMed 0.00005.
gnomAD v4.1: 14 of 1,611,502 alleles (0.00087%); highest among the groups gnomAD compares: Admixed American, 0.005%; no homozygotes.

Submissions (2):

Ambry Genetics
Classification: Likely benign for Inborn genetic diseases. Last evaluated: 2021-10-14. Review status: criteria provided, single submitter. Criteria: Ambry Variant Classification Scheme 2023. Collection method: clinical testing. Allele origin: germline.

Labcorp Genetics (formerly Invitae), Labcorp
Classification: Uncertain significance. Last evaluated: 2021-09-29. Review status: criteria provided, single submitter. Criteria: Invitae Variant Classification Sherloc (09022015). Collection method: clinical testing. Allele origin: germline.
Comment: This sequence change replaces threonine with methionine at codon 663 of the HELLS protein (p.Thr663Met). The threonine residue is moderately conserved and there is a moderate physicochemical difference between threonine and methionine. This variant is present in population databases (rs772237527, ExAC 0.009%). This variant has not been reported in the literature in individuals affected with HELLS-related conditions. Algorithms developed to predict the effect of missense changes on protein structure and function output the following: SIFT: "Tolerated"; PolyPhen-2: "Benign"; Align-GVGD: "Class C0". The methionine amino acid residue is found in multiple mammalian species, which suggests that this missense change does not adversely affect protein function. In summary, the available evidence is currently insufficient to determine the role of this variant in disease. Therefore, it has been classified as a Variant of Uncertain Significance.

NM_018063.5(HELLS):c.1988C>T (p.Thr663Met)

Gene: HELLS (helicase, lymphoid specific; plus strand). Cytogenetic location: 10q23.33.
Variant type: single nucleotide variant.
Coding change: c.1988C>T on transcript NM_018063.5 (MANE Select); coding-DNA position 1988, C replaced by T.
Protein change: p.Thr663Met; replaces threonine 663 with methionine.
Molecular consequence: missense variant.
Genome position (GRCh38, 1-based): chr10:94,593,515, C>T. VCF-style: chr10-94593515-C-T. GRCh37 (hg19) VCF-style: chr10-96353272-C-T.
Other names: c.2126C>T, p.Thr709Met (NM_001289067.2); c.1940C>T, p.Thr647Met (NM_001289068.2); c.1892C>T, p.Thr631Met (NM_001289069.2); c.1694C>T, p.Thr565Met (NM_001289070.2); c.1616C>T, p.Thr539Met (NM_001289071.2); c.1598C>T, p.Thr533Met (NM_001289072.2); c.1574C>T, p.Thr525Met (NM_001289073.2); c.905C>T, p.Thr302Met (NM_001289074.2); and 2 more; short protein forms T631M, T257M, T565M, T663M, T302M, T647M, T525M, T533M.
Identifiers: ClinVar variation 1047021 (VCV001047021.4), dbSNP rs772237527, ClinGen allele CA5615636.